The following is an entry in ClinVar:

ClinVar aggregate classification (germline): Likely pathogenic (1 of 4 stars; one submission).

Conditions:
Tuberous sclerosis 1 (TSC1). Identifiers: Orphanet 805, MedGen C1854465, MONDO:0008612, OMIM 191100.

Submission:

Labcorp Genetics (formerly Invitae), Labcorp
Classification: Likely pathogenic for Tuberous sclerosis 1. Last evaluated: 2023-03-30. Review status: criteria provided, single submitter. Criteria: Invitae Variant Classification Sherloc (09022015). Collection method: clinical testing. Allele origin: germline.
Comment: Algorithms developed to predict the effect of sequence changes on RNA splicing suggest that this variant may disrupt the consensus splice site. In summary, the currently available evidence indicates that the variant is pathogenic, but additional data are needed to prove that conclusively. Therefore, this variant has been classified as Likely Pathogenic. This variant has not been reported in the literature in individuals affected with TSC1-related conditions. This variant is not present in population databases (gnomAD no frequency). This sequence change affects a donor splice site in intron 18 of the TSC1 gene. It is expected to disrupt RNA splicing. Variants that disrupt the donor or acceptor splice site typically lead to a loss of protein function (PMID: 16199547), and loss-of-function variants in TSC1 are known to be pathogenic (PMID: 10227394, 17304050).

Literature cited by the submitters: PubMed 16199547; PubMed 10227394; PubMed 17304050.

NM_000368.5(TSC1):c.2391+1G>T

Gene: TSC1 (TSC complex subunit 1; minus strand). Cytogenetic location: 9q34.13.
Variant type: single nucleotide variant.
Coding change: c.2391+1G>T on transcript NM_000368.5 (MANE Select); the canonical splice donor site of the intron after coding-DNA position 2391, G replaced by T.
Molecular consequence: splice donor variant.
Genome position (GRCh38, 1-based): chr9:132,902,604, C>A on the plus strand (G>T on the coding strand, the complement: TSC1 is on the minus strand). VCF-style: chr9-132902604-C-A. GRCh37 (hg19) VCF-style: chr9-135777991-C-A.
Other names: c.2025+1G>T (NM_001406620.1, NM_001406625.1, NM_001406621.1 and 2 more transcripts); c.2028+1G>T (NM_001406618.1, NM_001406617.1, NM_001406619.1 and 5 more transcripts); c.2235+1G>T (NM_001406613.1, NM_001406612.1, NM_001406611.1); c.2238+1G>T (NM_001406610.1, NM_001162427.2); c.1437+1G>T (NM_001406627.1, NM_001406628.1); c.1338+1G>T (NM_001406629.1, NM_001406630.1); c.2373+1G>T (NM_001406603.1, NM_001406604.1); c.2388+1G>T (NM_001406609.1, NM_001406597.1, NM_001406600.1 and 4 more transcripts); and 3 more.
Identifiers: ClinVar variation 2827341 (VCV002827341.3), dbSNP rs1060503224, ClinGen allele CA375358970.